The following is an entry in ClinVar:

NM_152419.3(HGSNAT):c.559T>G (p.Leu187Val)

Gene: HGSNAT (heparan-alpha-glucosaminide N-acetyltransferase; plus strand). Cytogenetic location: 8p11.21.
Variant type: single nucleotide variant.
Coding change: c.559T>G on transcript NM_152419.3 (MANE Select); coding-DNA position 559, T replaced by G.
Protein change: p.Leu187Val; replaces leucine 187 with valine.
Molecular consequence: missense variant. On other transcripts: 5 prime UTR variant (1).
Genome position (GRCh38, 1-based): chr8:43,161,503, T>G. VCF-style: chr8-43161503-T-G. GRCh37 (hg19) VCF-style: chr8-43016646-T-G.
Other names: c.559T>G, p.Leu187Val (NM_001363227.2, NM_001363228.2); c.-275T>G (NM_001363229.2); short protein forms L187V.
Identifiers: ClinVar variation 2154399 (VCV002154399.3), dbSNP rs1408418542, ClinGen allele CA371115862.

ClinVar aggregate classification (germline): Uncertain significance (1 of 4 stars; one submission).

Conditions:
Mucopolysaccharidosis, MPS-III-C (MPS3C). Also called: SANFILIPPO SYNDROME C; MPS III C; mucopolysaccharidosis type 3C; MUCOPOLYSACCHARIDOSIS, TYPE IIIC; MPS IIIC (Sanfilippo Syndrome Type C); Mucopolysaccharidosis type IIIC (Sanfilippo C). Identifiers: Orphanet 581, Orphanet 79271, MedGen C0086649, MONDO:0009657, OMIM 252930.
Retinitis pigmentosa 73 (RP73). Identifiers: Orphanet 791, MedGen C4225287, MONDO:0014687, OMIM 616544.

Allele frequency attached by ClinVar (database versions not stated): gnomAD 0.00001.
gnomAD v4.1: 2 of 1,606,410 alleles (0.00012%); highest among the groups gnomAD compares: Non-Finnish European, 0.00017%; no homozygotes.

Submission:

Labcorp Genetics (formerly Invitae), Labcorp
Classification: Uncertain significance for Retinitis pigmentosa 73; Mucopolysaccharidosis, MPS-III-C. Last evaluated: 2022-11-21. Review status: criteria provided, single submitter. Criteria: Invitae Variant Classification Sherloc (09022015). Collection method: clinical testing. Allele origin: germline.
Comment: In summary, the available evidence is currently insufficient to determine the role of this variant in disease. Therefore, it has been classified as a Variant of Uncertain Significance. Advanced modeling of protein sequence and biophysical properties (such as structural, functional, and spatial information, amino acid conservation, physicochemical variation, residue mobility, and thermodynamic stability) performed at Invitae indicates that this missense variant is not expected to disrupt HGSNAT protein function. This variant has not been reported in the literature in individuals affected with HGSNAT-related conditions. This variant is present in population databases (no rsID available, gnomAD 0.0009%). This sequence change replaces leucine, which is neutral and non-polar, with valine, which is neutral and non-polar, at codon 187 of the HGSNAT protein (p.Leu187Val).